The following is an entry in ClinVar:

NM_004055.5(CAPN5):c.1312C>A (p.Arg438Ser)

Gene: CAPN5 (calpain 5; plus strand). Cytogenetic location: 11q13.5.
Variant type: single nucleotide variant.
Coding change: c.1312C>A on transcript NM_004055.5 (MANE Select); coding-DNA position 1312, C replaced by A.
Protein change: p.Arg438Ser; replaces arginine 438 with serine.
Molecular consequence: missense variant.
Genome position (GRCh38, 1-based): chr11:77,120,734, C>A. VCF-style: chr11-77120734-C-A. GRCh37 (hg19) VCF-style: chr11-76831780-C-A.
Other names: c.1312C>A (NM_004055.4); short protein forms R438S.
Identifiers: ClinVar variation 1109523 (VCV001109523.11), dbSNP rs372227864, ClinGen allele CA6196774.

ClinVar aggregate classification (germline): Conflicting classifications of pathogenicity. Review status: criteria provided, conflicting classifications (1 of 4 stars). 5 submissions from 5 submitters: Uncertain significance (2); Likely benign (2). 1 of the submissions does not count toward it. Last evaluated 2025-12-17.

Conditions:
Inborn genetic diseases. Identifiers: MedGen C0950123, MeSH D030342.
CAPN5-related disorder. Also called: CAPN5-related condition.

Allele frequency attached by ClinVar (database versions not stated): ESP Exome Variant Server 0.00023.
gnomAD v4.1: 89 of 1,611,754 alleles (0.0055%); highest among the groups gnomAD compares: African/African-American, 0.11%; no homozygotes.

Submissions (5):

Labcorp Genetics (formerly Invitae), Labcorp
Classification: Likely benign. Last evaluated: 2025-12-17. Review status: criteria provided, single submitter. Criteria: Invitae Variant Classification Sherloc (09022015). Collection method: clinical testing. Allele origin: germline.

Ambry Genetics
Classification: Uncertain significance for Inborn genetic diseases. Last evaluated: 2023-12-27. Review status: criteria provided, single submitter. Criteria: Ambry Variant Classification Scheme 2023. Collection method: clinical testing. Allele origin: germline.

GeneDx
Classification: Uncertain significance. Last evaluated: 2023-07-28. Review status: criteria provided, single submitter. Criteria: GeneDx Variant Classification Process June 2021. Collection method: clinical testing. Allele origin: germline. Affected: yes.
Comment: In silico analysis supports that this missense variant has a deleterious effect on protein structure/function; Has not been previously published as pathogenic or benign to our knowledge

Blueprint Genetics
Classification: Likely benign. Last evaluated: 2022-03-29. Review status: criteria provided, single submitter. Criteria: ACMG Guidelines, 2015. Collection method: clinical testing. Allele origin: germline.

PreventionGenetics, part of Exact Sciences
Classification: Likely benign for CAPN5-related condition. Last evaluated: 2024-05-24. Review status: no assertion criteria provided. Collection method: clinical testing. Allele origin: germline. Not counted in ClinVar's aggregate classification.
Comment: This variant is classified as likely benign based on ACMG/AMP sequence variant interpretation guidelines (Richards et al. 2015 PMID: 25741868, with internal and published modifications).